The following is an entry in ClinVar:

ClinVar aggregate classification (germline): Pathogenic/Likely pathogenic. Review status: criteria provided, multiple submitters, no conflicts (2 of 4 stars). 2 submissions from 2 submitters: Pathogenic (1); Likely pathogenic (1). Last evaluated 2026-01-13.

Conditions:
Werner syndrome (WRN). Identifiers: Orphanet 902, MedGen C0043119, MONDO:0010196, OMIM 277700.

Submissions (2):

Labcorp Genetics (formerly Invitae), Labcorp
Classification: Pathogenic for Werner syndrome. Last evaluated: 2026-01-13. Review status: criteria provided, single submitter. Criteria: Invitae Variant Classification Sherloc (09022015). Collection method: clinical testing. Allele origin: germline.
Comment: This sequence change creates a premature translational stop signal (p.Ala1137Serfs*28) in the WRN gene. It is expected to result in an absent or disrupted protein product. Loss-of-function variants in WRN are known to be pathogenic (PMID: 16673358). This variant is present in population databases (no rsID available, gnomAD 0.006%). This variant has not been reported in the literature in individuals affected with WRN-related conditions. ClinVar contains an entry for this variant (Variation ID: 458452). For these reasons, this variant has been classified as Pathogenic.

Baylor Genetics
Classification: Likely pathogenic for Werner syndrome. Last evaluated: 2024-01-18. Review status: criteria provided, single submitter. Criteria: ACMG Guidelines, 2015. Collection method: clinical testing. Allele origin: unknown.

Literature cited by the submitters: PubMed 16673358 (cited by Labcorp Genetics (formerly Invitae), Labcorp).

NM_000553.6(WRN):c.3408dup (p.Ala1137fs)

Gene: WRN (WRN RecQ like helicase; plus strand). Cytogenetic location: 8p12.
Variant type: Duplication.
Coding change: c.3408dup on transcript NM_000553.6 (MANE Select); coding-DNA position 3408, one base duplicated (A; older notation c.3408dupA).
Protein change: p.Ala1137fs; shifts the reading frame from alanine 1137.
Molecular consequence: frameshift variant.
Genome position (GRCh38, 1-based): chr8:31,147,077, A duplicated; the last of 5 consecutive A bases (chr8:31,147,073-31,147,077); duplicating any one gives the same sequence. VCF-style (leftmost placement, unchanged base first): chr8-31147072-G-GA. GRCh37 (hg19) VCF-style: chr8-31004588-G-GA.
Other names: c.3408dupA (NM_000553.4); short protein forms A1137fs.
Identifiers: ClinVar variation 458452 (VCV000458452.7), dbSNP rs1284409960, ClinGen allele CA581428599.
Genomic context (GRCh38, chr8:31,147,072, plus strand): 5'-AAGAAAAGCTTTTATTATTTATTTTCTTTTAAATATTTTAGTATCATGGTACAGTCACCA[G>GA]AAAAAGCTTACAGTTCCTCACAGCCTGTTATTTCGGCACAAGAGCAGGAGACTCAGGTAA-3'